The following is an entry in ClinVar:

NM_213599.3(ANO5):c.2501_2502delinsTG (p.Thr834Met)

Gene: ANO5 (anoctamin 5; plus strand). Cytogenetic location: 11p14.3.
Variant type: Indel.
Coding change: c.2501_2502delinsTG on transcript NM_213599.3 (MANE Select); coding-DNA positions 2501 to 2502, CC replaced by TG.
Protein change: p.Thr834Met; replaces threonine 834 with methionine.
Molecular consequence: missense variant.
Genome position (GRCh38, 1-based): chr11:22,276,180-22,276,181, CC replaced by TG. VCF-style: chr11-22276180-CC-TG. GRCh37 (hg19) VCF-style: chr11-22297726-CC-TG.
Other names: c.2498_2499delinsTG, p.Thr833Met (NM_001142649.2); short protein forms T833M, T834M.
Identifiers: ClinVar variation 1023348 (VCV001023348.7), dbSNP rs1854840862, ClinGen allele CA1957408503.

ClinVar aggregate classification (germline): Uncertain significance (1 of 4 stars; one submission).

Conditions:
Autosomal recessive limb-girdle muscular dystrophy type 2L (LGMDR12). Also called: MUSCULAR DYSTROPHY, LIMB-GIRDLE, AUTOSOMAL RECESSIVE 12; Limb-Girdle Muscular Dystrophy R12 Anoctamin-5-Related (LGMD-R12); Limb-girdle muscular dystrophy, type 2L. Identifiers: Orphanet 206549, MedGen C1969785, MONDO:0012652, OMIM 611307.
Gnathodiaphyseal dysplasia (GDD). Also called: GNATHODIAPHYSEAL SCLEROSIS; OSTEOGENESIS IMPERFECTA WITH UNUSUAL SKELETAL LESIONS. Identifiers: Orphanet 53697, MedGen C1833736, MONDO:0008151, OMIM 166260.

Submission:

Labcorp Genetics (formerly Invitae), Labcorp
Classification: Uncertain significance for Autosomal recessive limb-girdle muscular dystrophy type 2L; Gnathodiaphyseal dysplasia. Last evaluated: 2020-02-22. Review status: criteria provided, single submitter. Criteria: Invitae Variant Classification Sherloc (09022015). Collection method: clinical testing. Allele origin: germline.
Comment: This sequence change replaces threonine with methionine at codon 834 of the ANO5 protein (p.Thr834Met). The threonine residue is weakly conserved and there is a moderate physicochemical difference between threonine and methionine. In summary, the available evidence is currently insufficient to determine the role of this variant in disease. Therefore, it has been classified as a Variant of Uncertain Significance. Algorithms developed to predict the effect of missense changes on protein structure and function are either unavailable or do not agree on the potential impact of this missense change (SIFT: "Not Available"; PolyPhen-2: "Probably Damaging"; Align-GVGD: "Not Available"). This variant has not been reported in the literature in individuals with ANO5-related conditions. The frequency data for this variant in the population databases is not available, as this variant may be reported as separate entries in the ExAC database.